The following is an entry in ClinVar:

ClinVar aggregate classification (germline): Pathogenic (1 of 4 stars; one submission).

Conditions:
XPO1-associated Neurodevelopmental Disorder.

Submission:

Genome Diagnostics Laboratory, University Medical Center Utrecht
Classification: Pathogenic for XPO1-associated Neurodevelopmental Disorder. Last evaluated: 2025-07-21. Review status: criteria provided, single submitter. Criteria: ACMG Guidelines, 2015. Collection method: research. Allele origin: germline. Affected: yes.
Comment: ACMG/AMP (Richards et al, 2015): PVS1, PS2, PM2

NM_003400.4(XPO1):c.1282del (p.Glu428fs)

Gene: XPO1 (exportin 1; minus strand). Cytogenetic location: 2p15.
Variant type: Deletion.
Coding change: c.1282del on transcript NM_003400.4 (MANE Select); coding-DNA position 1282, one base deleted (G; older notation c.1282delG).
Protein change: p.Glu428fs; shifts the reading frame from glutamic acid 428.
Molecular consequence: frameshift variant.
Genome position (GRCh38, 1-based): chr2:61,493,017, C deleted on the plus strand (G on the coding strand, the reverse complement: XPO1 is on the minus strand). VCF-style (leftmost placement, unchanged base first): chr2-61493016-TC-T. GRCh37 (hg19) VCF-style: chr2-61720151-TC-T.
Other names: c.1282del, p.Glu428fs (NM_001410799.1); short protein forms E428fs.
Identifiers: ClinVar variation 4073410 (VCV004073410.1).